The following is an entry in ClinVar:

NM_000709.4(BCKDHA):c.12_13insGACGGGCGAGGTGGCTCACGCCTGAAATCCCAGCACTATGGGAGGCCGAGGCGGGCGGATCACGAGGTCAGGANNNNNNNNNNAAAAAAAAAAAAAAAAAAAAAAGATGGCGGTAGCG (p.Ile5fs)

Gene: BCKDHA (branched chain keto acid dehydrogenase E1 subunit alpha; plus strand). Cytogenetic location: 19q13.2.
Variant type: Insertion.
Coding change: c.12_13insGACGGGCGAGGTGGCTCACGCCTGAAATCCCAGCACTATGGGAGGCCGAGGCGGGCGGATCACGAGGTCAGGANNNNNNNNNNAAAAAAAAAAAAAAAAAAAAAAGATGGCGGTAGCG on transcript NM_000709.4 (MANE Select); coding-DNA positions 12 to 13, GACGGGCGAGGTGGCTCACGCCTGAAATCCCAGCACTATGGGAGGCCGAGGCGGGCGGATCACGAGGTCAGGANNNNNNNNNNAAAAAAAAAAAAAAAAAAAAAAGATGGCGGTAGCG inserted.
Protein change: p.Ile5fs; shifts the reading frame from isoleucine 5.
Molecular consequence: frameshift variant, initiator codon variant.
Genome position: GRCh38: chr19:41,397,839-41,397,840. GRCh37 (hg19): chr19:41,903,744-41,903,745.
Other names: c.12_13insGACGGGCGAGGTGGCTCACGCCTGAAATCCCAGCACTATGGGAGGCCGAGGCGGGCGGATCACGAGGTCAGGANNNNNNNNNNAAAAAAAAAAAAAAAAAAAAAAGATGGCGGTAGCG, p.Ile5fs (NM_001164783.2); short protein forms I5fs.
Identifiers: ClinVar variation 1996087 (VCV001996087.5), dbSNP rs2513443720.

ClinVar aggregate classification (germline): Pathogenic (1 of 4 stars; one submission).

Conditions:
Maple syrup urine disease (MSUD). Identifiers: Orphanet 511, MedGen C0024776, MeSH D008375, MONDO:0009563. Disease mechanism: loss of function.

Submission:

Labcorp Genetics (formerly Invitae), Labcorp
Classification: Pathogenic for Maple syrup urine disease. Last evaluated: 2022-05-18. Review status: criteria provided, single submitter. Criteria: Invitae Variant Classification Sherloc (09022015). Collection method: clinical testing. Allele origin: germline.
Comment: For these reasons, this variant has been classified as Pathogenic. Retrotransposon insertions including LINE1 (L1), Alu, and SVA (SINE-VNTR-Alu) have been reported to be disease-causing through disruption of either a coding region or splice site (PMID: 19763152, 20307669, 22406018) and loss-of-function variants in BCKDHA are known to be pathogenic (PMID: 16786533, 22593002). Algorithms developed to predict the effect of sequence changes on RNA splicing suggest that this variant may create or strengthen a splice site. Experimental studies and prediction algorithms are not available or were not evaluated, and the functional significance of this variant is currently unknown. This variant has not been reported in the literature in individuals affected with BCKDHA-related conditions. This variant is not present in population databases (gnomAD no frequency). This sequence change inserts a large fragment of DNA, likely a transposable element, in exon 1 of the BCKDHA gene (c.12_13ins?), causing a frameshift at codon 5 (p.Ile5fs). The exact size and sequence of the insertion cannot be determined by the current assay. However, the insertion is expected to result in an absent or disrupted protein product.

Literature cited by the submitters: PubMed 19763152; PubMed 20307669; PubMed 22406018; PubMed 16786533; PubMed 22593002.